The following is an entry in ClinVar:

ClinVar aggregate classification (germline): Uncertain significance (1 of 4 stars; one submission).

Submission:

Labcorp Genetics (formerly Invitae), Labcorp
Classification: Uncertain significance. Last evaluated: 2024-12-02. Review status: criteria provided, single submitter. Criteria: Invitae Variant Classification Sherloc (09022015). Collection method: clinical testing. Allele origin: germline.
Comment: This sequence change replaces proline, which is neutral and non-polar, with serine, which is neutral and polar, at codon 2690 of the SRCAP protein (p.Pro2690Ser). This variant is not present in population databases (gnomAD no frequency). This variant has not been reported in the literature in individuals affected with SRCAP-related conditions. Invitae Evidence Modeling of protein sequence and biophysical properties (such as structural, functional, and spatial information, amino acid conservation, physicochemical variation, residue mobility, and thermodynamic stability) indicates that this missense variant is not expected to disrupt SRCAP protein function with a negative predictive value of 80%. In summary, the available evidence is currently insufficient to determine the role of this variant in disease. Therefore, it has been classified as a Variant of Uncertain Significance.

NM_006662.3(SRCAP):c.8068C>T (p.Pro2690Ser)

Gene: SRCAP (Snf2 related CREBBP activator protein; plus strand). Cytogenetic location: 16p11.2.
Variant type: single nucleotide variant.
Coding change: c.8068C>T on transcript NM_006662.3 (MANE Select); coding-DNA position 8068, C replaced by T.
Protein change: p.Pro2690Ser; replaces proline 2690 with serine.
Molecular consequence: missense variant.
Genome position (GRCh38, 1-based): chr16:30,738,108, C>T. VCF-style: chr16-30738108-C-T. GRCh37 (hg19) VCF-style: chr16-30749429-C-T.
Other names: short protein forms P2690S.
Identifiers: ClinVar variation 3665049 (VCV003665049.2).